The following is an entry in ClinVar:

ClinVar aggregate classification (germline): Uncertain significance (1 of 4 stars; one submission).

gnomAD v4.1: 2 of 1,614,004 alleles (0.00012%); highest among the groups gnomAD compares: South Asian, 0.0022%; no homozygotes.

Submission:

GeneDx
Classification: Uncertain significance. Last evaluated: 2024-12-09. Review status: criteria provided, single submitter. Criteria: GeneDx Variant Classification Process June 2021. Collection method: clinical testing. Allele origin: germline. Affected: yes.
Comment: Not observed at significant frequency in large population cohorts (gnomAD); In silico analysis indicates that this missense variant does not alter protein structure/function; Has not been previously published as pathogenic or benign to our knowledge

NM_003238.6(TGFB2):c.712A>G (p.Ile238Val)

Gene: TGFB2 (transforming growth factor beta 2; plus strand). Cytogenetic location: 1q41.
Variant type: single nucleotide variant.
Coding change: c.712A>G on transcript NM_003238.6 (MANE Select); coding-DNA position 712, A replaced by G.
Protein change: p.Ile238Val; replaces isoleucine 238 with valine.
Molecular consequence: missense variant. On other transcripts: non-coding transcript variant (2).
Genome position (GRCh38, 1-based): chr1:218,434,406, A>G. VCF-style: chr1-218434406-A-G. GRCh37 (hg19) VCF-style: chr1-218607748-A-G.
Other names: c.796A>G, p.Ile266Val (NM_001135599.4); short protein forms I238V, I266V.
Identifiers: ClinVar variation 3901474 (VCV003901474.1).